The following is an entry in ClinVar:

ClinVar aggregate classification (germline): Uncertain significance (1 of 4 stars; one submission).

Conditions:
Cerebral folate transport deficiency. Also called: FOLATE RECEPTOR DEFICIENCY; NEURODEGENERATION DUE TO CEREBRAL FOLATE TRANSPORT DEFICIENCY; Neurodegenerative syndrome due to cerebral folate transport deficiency; FOLR1-Related Cerebral Folate Transport Deficiency; Cerebral folate deficiency syndrome. Identifiers: Orphanet 217382, MedGen C2751584, MONDO:0013110, OMIM 613068. Disease mechanism: loss of function.

Submission:

Labcorp Genetics (formerly Invitae), Labcorp
Classification: Uncertain significance for Cerebral folate transport deficiency. Last evaluated: 2022-12-15. Review status: criteria provided, single submitter. Criteria: Invitae Variant Classification Sherloc (09022015). Collection method: clinical testing. Allele origin: germline.
Comment: In summary, the available evidence is currently insufficient to determine the role of this variant in disease. Therefore, it has been classified as a Variant of Uncertain Significance. Advanced modeling of protein sequence and biophysical properties (such as structural, functional, and spatial information, amino acid conservation, physicochemical variation, residue mobility, and thermodynamic stability) performed at Invitae indicates that this missense variant is expected to disrupt FOLR1 protein function. This sequence change replaces glycine, which is neutral and non-polar, with alanine, which is neutral and non-polar, at codon 159 of the FOLR1 protein (p.Gly159Ala). This variant is not present in population databases (gnomAD no frequency). This variant has not been reported in the literature in individuals affected with FOLR1-related conditions.

NM_016729.3(FOLR1):c.476G>C (p.Gly159Ala)

Genes: FOLR1-AS1 (FOLR1 antisense RNA 1; minus strand), FOLR1 (folate receptor alpha; plus strand). Cytogenetic location: 11q13.4.
Variant type: single nucleotide variant.
Coding change: c.476G>C on transcript NM_016729.3 (MANE Select); coding-DNA position 476, G replaced by C.
Protein change: p.Gly159Ala; replaces glycine 159 with alanine.
Molecular consequence: missense variant.
Genome position (GRCh38, 1-based): chr11:72,195,730, G>C. VCF-style: chr11-72195730-G-C. GRCh37 (hg19) VCF-style: chr11-71906774-G-C.
Other names: c.476G>C, p.Gly159Ala (NM_000802.3, NM_016724.3, NM_016725.3 and 1 more transcripts); short protein forms G159A.
Identifiers: ClinVar variation 2821299 (VCV002821299.3), dbSNP rs2539132440, ClinGen allele CA381733805.
Genomic context (GRCh38, chr11:72,195,730, plus strand): 5'-GTGAGCAATGGTGGGAAGATTGTCGCACCTCCTACACCTGCAAGAGCAACTGGCACAAGG[G>C]CTGGAACTGGACTTCAGGTGAGGGCTGGGGTGGGCAGGAATGGAGGGATTTGGAAGTGGA-3'
Protein context (NP_057941.1, residues 149-169): SYTCKSNWHK[Gly159Ala]WNWTSGFNKC